The following is an entry in ClinVar:

ClinVar aggregate classification (germline): Benign. Review status: criteria provided, multiple submitters, no conflicts (2 of 4 stars). 6 submissions from 6 submitters: Benign (6). Last evaluated 2026-02-02.

Conditions:
Combined immunodeficiency due to DOCK8 deficiency (HIES2). Also called: HYPER-IgE SYNDROME 2, AUTOSOMAL RECESSIVE, WITH RECURRENT INFECTIONS; DOCK8 Deficiency; HIES autosomal recessive; HYPER-IgE RECURRENT INFECTION SYNDROME 2, AUTOSOMAL RECESSIVE; Hyper-IgE recurrent infection syndrome, autosomal recessive. Identifiers: Orphanet 217390, MedGen C4722305, MONDO:0009478, OMIM 243700.

Allele frequency attached by ClinVar (database versions not stated): ESP Exome Variant Server 0.00038; gnomAD exomes 0.00352 and 0.01107; gnomAD 0.00493 and 0.00549; ExAC 0.00862; 1000 Genomes Project 0.01138; TOPMed 0.00852; 1000 Genomes Project 30x 0.01234.
gnomAD v4.1: 6,043 of 1,613,776 alleles (0.37%); highest among the groups gnomAD compares: Admixed American, 4.7%; 135 homozygotes.

Submissions (6):

Labcorp Genetics (formerly Invitae), Labcorp
Classification: Benign for Combined immunodeficiency due to DOCK8 deficiency. Last evaluated: 2026-02-02. Review status: criteria provided, single submitter. Criteria: Invitae Variant Classification Sherloc (09022015). Collection method: clinical testing. Allele origin: germline.

Women's Health and Genetics/Laboratory Corporation of America, LabCorp
Classification: Benign. Last evaluated: 2026-01-22. Review status: criteria provided, single submitter. Criteria: LabCorp Variant Classification Summary - May 2015. Collection method: clinical testing. Allele origin: germline.

Mayo Clinic Laboratories, Mayo Clinic
Classification: Benign. Last evaluated: 2021-06-18. Review status: criteria provided, single submitter. Criteria: ACMG Guidelines, 2015. Collection method: clinical testing. Allele origin: germline. Observed: 10 variant alleles.

Illumina Laboratory Services, Illumina
Classification: Benign for Combined immunodeficiency due to DOCK8 deficiency. Last evaluated: 2018-01-13. Review status: criteria provided, single submitter. Criteria: ICSL Variant Classification Criteria 13 December 2019. Collection method: clinical testing. Allele origin: germline.
Comment: This variant was observed in the ICSL laboratory as part of a predisposition screen in an ostensibly healthy population. It had not been previously curated by ICSL or reported in the Human Gene Mutation Database (HGMD: prior to June 1st, 2018), and was therefore a candidate for classification through an automated scoring system. Utilizing variant allele frequency, disease prevalence and penetrance estimates, and inheritance mode, an automated score was calculated to assess if this variant is too frequent to cause the disease. Based on the score and internal cut-off values, a variant classified as benign is not then subjected to further curation. The score for this variant resulted in a classification of benign for this disease.

GeneDx
Classification: Benign. Last evaluated: 2014-02-06. Review status: criteria provided, single submitter. Criteria: GeneDx Variant Classification (06012015). Collection method: clinical testing. Allele origin: germline. Affected: yes.
Comment: This variant is considered likely benign or benign based on one or more of the following criteria: it is a conservative change, it occurs at a poorly conserved position in the protein, it is predicted to be benign by multiple in silico algorithms, and/or has population frequency not consistent with disease.

Breakthrough Genomics
Classification: Benign. Review status: criteria provided, single submitter. Criteria: ACMG Guidelines, 2015. Collection method: not provided. Allele origin: germline. Inheritance: Autosomal recessive inheritance. Affected: yes.

NM_203447.4(DOCK8):c.5187A>G (p.Val1729=)

Gene: DOCK8 (dedicator of cytokinesis 8; plus strand). Cytogenetic location: 9p24.3.
Variant type: single nucleotide variant.
Coding change: c.5187A>G on transcript NM_203447.4 (MANE Select); coding-DNA position 5187, A replaced by G.
Protein change: p.Val1729=; no amino-acid change (valine 1729 retained).
Molecular consequence: synonymous variant.
Genome position (GRCh38, 1-based): chr9:439,352, A>G. VCF-style: chr9-439352-A-G. GRCh37 (hg19) VCF-style: chr9-439352-A-G.
Other names: p.V1661V:GTA>GTG; p.Val1729=; c.4887A>G, p.Val1629= (NM_001190458.2); c.4983A>G, p.Val1661= (NM_001193536.2).
Identifiers: ClinVar variation 137149 (VCV000137149.18), dbSNP rs111535933, ClinGen allele CA290679.